The following is an entry in ClinVar:

NM_001848.3(COL6A1):c.1741-51G>A

Gene: COL6A1 (collagen type VI alpha 1 chain; plus strand). Cytogenetic location: 21q22.3.
Variant type: single nucleotide variant.
Coding change: c.1741-51G>A on transcript NM_001848.3 (MANE Select); 51 bases into the intron before coding-DNA position 1741, G replaced by A.
Molecular consequence: intron variant.
Genome position (GRCh38, 1-based): chr21:45,999,606, G>A. VCF-style: chr21-45999606-G-A. GRCh37 (hg19) VCF-style: chr21-47419520-G-A.
Identifiers: ClinVar variation 681673 (VCV000681673.2), dbSNP rs75434097, ClinGen allele CA10070521.

ClinVar aggregate classification (germline): Benign. Review status: criteria provided, multiple submitters, no conflicts (2 of 4 stars). 2 submissions from 2 submitters: Benign (2). Last evaluated 2018-06-14.

Allele frequency attached by ClinVar (database versions not stated): gnomAD exomes 0.12636; ExAC 0.13153; TOPMed 0.13171; 1000 Genomes Project 0.13279; 1000 Genomes Project 30x 0.13554; gnomAD 0.13563 and 0.13577; ESP Exome Variant Server 0.14809.
gnomAD v4.1: 222,675 of 1,601,838 alleles (14%); highest among the groups gnomAD compares: African/African-American, 16%; 16,042 homozygotes.

Submissions (2):

GeneDx
Classification: Benign. Last evaluated: 2018-06-14. Review status: criteria provided, single submitter. Criteria: GeneDx Variant Classification (06012015). Collection method: clinical testing. Allele origin: germline. Affected: yes.
Comment: This variant is considered likely benign or benign based on one or more of the following criteria: it is a conservative change, it occurs at a poorly conserved position in the protein, it is predicted to be benign by multiple in silico algorithms, and/or has population frequency not consistent with disease.

Breakthrough Genomics
Classification: Benign. Review status: criteria provided, single submitter. Criteria: ACMG Guidelines, 2015. Collection method: not provided. Allele origin: germline. Inheritance: Autosomal recessive inheritance. Affected: yes.